The following is an entry in ClinVar:

NM_024665.7(TBL1XR1):c.171A>G (p.Leu57=)

Gene: TBL1XR1 (TBL1X/Y related 1; minus strand). Cytogenetic location: 3q26.32.
Variant type: single nucleotide variant.
Coding change: c.171A>G on transcript NM_024665.7 (MANE Select); coding-DNA position 171, A replaced by G.
Protein change: p.Leu57=; no amino-acid change (leucine 57 retained).
Molecular consequence: synonymous variant. On other transcripts: 5 prime UTR variant (2).
Genome position (GRCh38, 1-based): chr3:177,053,806, T>C on the plus strand (A>G on the coding strand, the complement: TBL1XR1 is on the minus strand). VCF-style: chr3-177053806-T-C. GRCh37 (hg19) VCF-style: chr3-176771594-T-C.
Other names: c.171A>G, p.Leu57= (NM_001321193.3, NM_001321194.3, NM_001374327.1 and 2 more transcripts); c.-91A>G (NM_001321195.3, NM_001374330.1); c.171A>G (NM_024665.5).
Identifiers: ClinVar variation 1135704 (VCV001135704.15), dbSNP rs144606780, ClinGen allele CA2710047.

ClinVar aggregate classification (germline): Likely benign. Review status: criteria provided, multiple submitters, no conflicts (2 of 4 stars). 4 submissions from 4 submitters: Likely benign (3). 1 of the submissions does not count toward it. Last evaluated 2026-01-17.

Conditions:
Inborn genetic diseases. Identifiers: MedGen C0950123, MeSH D030342.
TBL1XR1-related disorder. Also called: TBL1XR1-related condition; TBL1XR1-related disorders. Identifiers: MedGen CN382633, MONDO:1060313.
Pierpont syndrome (PRPTS). Identifiers: Orphanet 487825, MedGen C1865644, MONDO:0011213, OMIM 602342.

Allele frequency attached by ClinVar (database versions not stated): gnomAD 0.00003; gnomAD exomes 0.00006 and 0.00010; TOPMed 0.00006; 1000 Genomes Project 30x 0.00016; ExAC 0.00018; 1000 Genomes Project 0.00020.
gnomAD v4.1: 92 of 1,613,212 alleles (0.0057%); highest among the groups gnomAD compares: Non-Finnish European, 0.0074%; no homozygotes.

Submissions (5):

Labcorp Genetics (formerly Invitae), Labcorp
Classification: Likely benign for Pierpont syndrome. Last evaluated: 2026-01-17. Review status: criteria provided, single submitter. Criteria: Invitae Variant Classification Sherloc (09022015). Collection method: clinical testing. Allele origin: germline.

Blueprint Genetics
Classification: Likely benign. Last evaluated: 2023-08-28. Review status: criteria provided, single submitter. Criteria: ACMG Guidelines, 2015. Collection method: clinical testing. Allele origin: germline.

Ambry Genetics
Classification: Likely benign for Inborn genetic diseases. Last evaluated: 2020-04-13. Review status: criteria provided, single submitter. Criteria: Ambry Variant Classification Scheme 2023. Collection method: clinical testing. Allele origin: germline.

PreventionGenetics, part of Exact Sciences
Classification: Likely benign for TBL1XR1-related condition. Last evaluated: 2022-05-25. Review status: no assertion criteria provided. Collection method: clinical testing. Allele origin: germline. Not counted in ClinVar's aggregate classification.
Comment: This variant is classified as likely benign based on ACMG/AMP sequence variant interpretation guidelines (Richards et al. 2015 PMID: 25741868, with internal and published modifications).

Dr. Peter K. Rogan Lab, Western University
No classification provided (evidence only). Condition: Malignant tumor of urinary bladder. Review status: no classification provided. Collection method: in vitro. Allele origin: not applicable. Functional consequence: retained intron. Not counted in ClinVar's aggregate classification.